The following is an entry in ClinVar:

NM_006231.4(POLE):c.1603G>A (p.Asp535Asn)

Gene: POLE (DNA polymerase epsilon, catalytic subunit; minus strand). Cytogenetic location: 12q24.33.
Variant type: single nucleotide variant.
Coding change: c.1603G>A on transcript NM_006231.4 (MANE Select); coding-DNA position 1603, G replaced by A.
Protein change: p.Asp535Asn; replaces aspartic acid 535 with asparagine.
Molecular consequence: missense variant.
Genome position (GRCh38, 1-based): chr12:132,672,710, C>T on the plus strand (G>A on the coding strand, the complement: POLE is on the minus strand). VCF-style: chr12-132672710-C-T. GRCh37 (hg19) VCF-style: chr12-133249296-C-T.
Other names: c.1603G>A (NM_006231.2); short protein forms D535N.
Identifiers: ClinVar variation 1001840 (VCV001001840.11), dbSNP rs2042958349, ClinGen allele CA387356833.

ClinVar aggregate classification (germline): Conflicting classifications of pathogenicity. Review status: criteria provided, conflicting classifications (1 of 4 stars). 2 submissions from 2 submitters: Uncertain significance (1); Likely benign (1). Last evaluated 2026-01-26.

Conditions:
Hereditary cancer-predisposing syndrome. Also called: Neoplastic Syndromes, Hereditary; Tumor predisposition; Hereditary Cancer Syndrome; Hereditary neoplastic syndrome. Identifiers: Orphanet 140162, MedGen C0027672, MeSH D009386, MONDO:0015356.

gnomAD v4.1: 1 of 1,614,170 alleles (0.000062%); highest among the groups gnomAD compares: Non-Finnish European, 0.000085%; no homozygotes.

Submissions (2):

Labcorp Genetics (formerly Invitae), Labcorp
Classification: Uncertain significance. Last evaluated: 2026-01-26. Review status: criteria provided, single submitter. Criteria: Invitae Variant Classification Sherloc (09022015). Collection method: clinical testing. Allele origin: germline.
Comment: This sequence change replaces aspartic acid, which is acidic and polar, with asparagine, which is neutral and polar, at codon 535 of the POLE protein (p.Asp535Asn). This variant is not present in population databases (gnomAD no frequency). This variant has not been reported in the literature in individuals affected with POLE-related conditions. ClinVar contains an entry for this variant (Variation ID: 1001840). Invitae Evidence Modeling of protein sequence and biophysical properties (such as structural, functional, and spatial information, amino acid conservation, physicochemical variation, residue mobility, and thermodynamic stability) indicates that this missense variant is not expected to disrupt POLE protein function with a negative predictive value of 80%. In summary, the available evidence is currently insufficient to determine the role of this variant in disease. Therefore, it has been classified as a Variant of Uncertain Significance.

Ambry Genetics
Classification: Likely benign for Hereditary cancer-predisposing syndrome. Last evaluated: 2025-11-06. Review status: criteria provided, single submitter. Criteria: Ambry Variant Classification Scheme 2023. Collection method: clinical testing. Allele origin: germline.